The following is an entry in ClinVar:

ClinVar aggregate classification (germline): Uncertain significance. Review status: criteria provided, multiple submitters, no conflicts (2 of 4 stars). 2 submissions from 2 submitters: Uncertain significance (2). Last evaluated 2024-11-26.

Conditions:
T-B+ severe combined immunodeficiency due to JAK3 deficiency. Also called: SCID, autosomal recessive, T-negative/B-positive type; SCID, T CELL-NEGATIVE, B CELL-POSITIVE, NK CELL-NEGATIVE. Identifiers: Orphanet 35078, MedGen C1833275, MONDO:0010938, OMIM 600802.

gnomAD v4.1: 2 of 1,591,684 alleles (0.00013%); highest among the groups gnomAD compares: Non-Finnish European, 0.000085%; no homozygotes.

Submissions (2):

Blueprint Genetics
Classification: Uncertain significance. Last evaluated: 2024-11-26. Review status: criteria provided, single submitter. Criteria: ACMG Guidelines, 2015. Collection method: clinical testing. Allele origin: germline.

Labcorp Genetics (formerly Invitae), Labcorp
Classification: Uncertain significance for Severe combined immunodeficiency, autosomal recessive, T cell-negative, B cell-positive, NK cell-negative. Last evaluated: 2018-08-21. Review status: criteria provided, single submitter. Criteria: Invitae Variant Classification Sherloc (09022015). Collection method: clinical testing. Allele origin: germline.
Comment: This sequence change replaces arginine with leucine at codon 218 of the JAK3 protein (p.Arg218Leu). The arginine residue is weakly conserved and there is a moderate physicochemical difference between arginine and leucine. This variant is not present in population databases (ExAC no frequency). This variant has not been reported in the literature in individuals with JAK3-related disease. Algorithms developed to predict the effect of missense changes on protein structure and function output the following: SIFT: "Tolerated"; PolyPhen-2: "Benign"; Align-GVGD: "Class C0". The leucine amino acid residue is found in multiple mammalian species, suggesting that this missense change does not adversely affect protein function. These predictions have not been confirmed by published functional studies and their clinical significance is uncertain. In summary, the available evidence is currently insufficient to determine the role of this variant in disease. Therefore, it has been classified as a Variant of Uncertain Significance.

NM_000215.4(JAK3):c.653G>T (p.Arg218Leu)

Gene: JAK3 (Janus kinase 3; minus strand). Cytogenetic location: 19p13.11.
Variant type: single nucleotide variant.
Coding change: c.653G>T on transcript NM_000215.4 (MANE Select); coding-DNA position 653, G replaced by T.
Protein change: p.Arg218Leu; replaces arginine 218 with leucine.
Molecular consequence: missense variant.
Genome position (GRCh38, 1-based): chr19:17,842,524, C>A on the plus strand (G>T on the coding strand, the complement: JAK3 is on the minus strand). VCF-style: chr19-17842524-C-A. GRCh37 (hg19) VCF-style: chr19-17953333-C-A.
Other names: short protein forms R218L.
Identifiers: ClinVar variation 649654 (VCV000649654.2), dbSNP rs201460834, ClinGen allele CA404772763.